The following is an entry in ClinVar:

NM_000264.5(PTCH1):c.1097T>G (p.Leu366Ter)

Gene: PTCH1 (patched 1; minus strand). Cytogenetic location: 9q22.32.
Variant type: single nucleotide variant.
Coding change: c.1097T>G on transcript NM_000264.5 (MANE Select); coding-DNA position 1097, T replaced by G.
Protein change: p.Leu366Ter; replaces leucine 366 with a stop codon.
Molecular consequence: nonsense. On other transcripts: non-coding transcript variant (1).
Genome position (GRCh38, 1-based): chr9:95,479,118, A>C on the plus strand (T>G on the coding strand, the complement: PTCH1 is on the minus strand). VCF-style: chr9-95479118-A-C. GRCh37 (hg19) VCF-style: chr9-98241400-A-C.
Other names: c.899T>G, p.Leu300Ter (NM_001083602.3); c.1094T>G, p.Leu365Ter (NM_001083603.3); c.644T>G, p.Leu215Ter (NM_001083604.3, NM_001083605.3, NM_001083606.3 and 1 more transcripts); c.1097T>G, p.Leu366Ter (NM_001354918.2); short protein forms L365*, L300*, L215*, L366*.
Identifiers: ClinVar variation 939236 (VCV000939236.8), dbSNP rs1841329871, ClinGen allele CA374119478.

ClinVar aggregate classification (germline): Pathogenic (1 of 4 stars; one submission).

Conditions:
Gorlin syndrome. Also called: Nevoid Basal Cell Carcinoma Syndrome; Basal cell nevus syndrome. Identifiers: Orphanet 377, MedGen C0004779, MONDO:0007187.

Submission:

Labcorp Genetics (formerly Invitae), Labcorp
Classification: Pathogenic for Gorlin syndrome. Last evaluated: 2022-09-09. Review status: criteria provided, single submitter. Criteria: Invitae Variant Classification Sherloc (09022015). Collection method: clinical testing. Allele origin: germline.
Comment: This sequence change creates a premature translational stop signal (p.Leu366*) in the PTCH1 gene. It is expected to result in an absent or disrupted protein product. Loss-of-function variants in PTCH1 are known to be pathogenic (PMID: 16301862, 16419085). This variant is not present in population databases (gnomAD no frequency). This variant has not been reported in the literature in individuals affected with PTCH1-related conditions. ClinVar contains an entry for this variant (Variation ID: 939236). For these reasons, this variant has been classified as Pathogenic.

Literature cited by the submitters: PubMed 16301862; PubMed 16419085.